The following is an entry in ClinVar:

NM_000059.4(BRCA2):c.3454_3455del (p.Leu1152fs)

Gene: BRCA2 (BRCA2 DNA repair associated; plus strand). Cytogenetic location: 13q13.1.
Variant type: Deletion.
Coding change: c.3454_3455del on transcript NM_000059.4 (MANE Select); coding-DNA positions 3454 to 3455, 2 bases deleted (TT; older notation c.3454_3455delTT).
Protein change: p.Leu1152fs; shifts the reading frame from leucine 1152.
Molecular consequence: frameshift variant.
Genome position (GRCh38, 1-based): chr13:32,337,809-32,337,810, TT deleted. VCF-style (leftmost placement, unchanged base first): chr13-32337808-CTT-C. GRCh37 (hg19) VCF-style: chr13-32911945-CTT-C.
Other names: c.3454_3455delTT (NM_000059.3); short protein forms L1152fs.
Identifiers: ClinVar variation 433777 (VCV000433777.3), dbSNP rs1555283251, ClinGen allele CA645372956.

ClinVar aggregate classification (germline): Pathogenic. Review status: reviewed by expert panel (3 of 4 stars). 2 submissions from 2 submitters: Pathogenic (1). 1 of the submissions does not count toward it. Last evaluated 2017-12-15.

Conditions:
Breast-ovarian cancer, familial, susceptibility to, 2 (BROVCA2). Also called: BRCA2 Hereditary Breast and Ovarian Cancer. Identifiers: Orphanet 145, MedGen C2675520, MONDO:0012933, OMIM 612555. Disease mechanism: loss of function.
Malignant tumor of breast. Also called: Malignant breast neoplasm; Cancer breast. Identifiers: MedGen C0006142, MONDO:0007254. Disease mechanism: loss of function.

Submissions (2):

Evidence-based Network for the Interpretation of Germline Mutant Alleles (ENIGMA)
Classification: Pathogenic for Breast-ovarian cancer, familial, susceptibility to, 2. Last evaluated: 2017-12-15. Review status: reviewed by expert panel. Criteria: ENIGMA BRCA1/2 Classification Criteria (2017-06-29). Collection method: curation. Allele origin: germline. Study: ENIGMA.
Comment: Variant allele predicted to encode a truncated non-functional protein.

Department of Pathology and Laboratory Medicine, Sinai Health System
Classification: Pathogenic for Malignant tumor of breast. Review status: no assertion criteria provided. Collection method: clinical testing. Allele origin: unknown. Affected: yes. Observed: 1 variant allele. Study: The Canadian Open Genetics Repository (COGR). Not counted in ClinVar's aggregate classification.
Comment: The p.Leu1152LysfsX5 deletion variant has not been previously reported in the literature nor by our laboratory. It is predicted to cause a frameshift, which alters the protein's amino acid sequence beginning at codon 1152 and leads to a premature stop codon 5 codons downstream. This alteration is then predicted to result in a truncated or absent protein and loss of function. Loss of function variants of the BRCA2 gene are an established mechanism of disease for hereditary breast and ovariant cancer. In summary, based on the above information, this variant is classified as pathogenic.